The following is an entry in ClinVar:

NM_000136.3(FANCC):c.875G>C (p.Arg292Pro)

Genes: AOPEP (aminopeptidase O (putative); plus strand), FANCC (FA complementation group C; minus strand). Cytogenetic location: 9q22.32.
Variant type: single nucleotide variant.
Coding change: c.875G>C on transcript NM_000136.3 (MANE Select); coding-DNA position 875, G replaced by C.
Protein change: p.Arg292Pro; replaces arginine 292 with proline.
Molecular consequence: missense variant.
Genome position (GRCh38, 1-based): chr9:95,126,550, C>G on the plus strand (G>C on the coding strand, the complement: FANCC is on the minus strand). VCF-style: chr9-95126550-C-G. GRCh37 (hg19) VCF-style: chr9-97888832-C-G.
Other names: c.875G>C (NM_000136.2); c.875G>C, p.Arg292Pro (NM_001243743.2, NM_001243744.2); short protein forms R292P.
Identifiers: ClinVar variation 1510720 (VCV001510720.7), dbSNP rs747060782, ClinGen allele CA374109092.

ClinVar aggregate classification (germline): Uncertain significance. Review status: criteria provided, multiple submitters, no conflicts (2 of 4 stars). 2 submissions from 2 submitters: Uncertain significance (2). Last evaluated 2024-12-06.

Conditions:
Hereditary cancer-predisposing syndrome. Also called: Hereditary neoplastic syndrome; Neoplastic Syndromes, Hereditary; Tumor predisposition; Hereditary Cancer Syndrome. Identifiers: Orphanet 140162, MedGen C0027672, MeSH D009386, MONDO:0015356.
Fanconi anemia (FA). Also called: Fanconi's anemia. Identifiers: Orphanet 84, MedGen C0015625, MeSH D005199, MONDO:0019391.

Submissions (2):

Ambry Genetics
Classification: Uncertain significance for Hereditary cancer-predisposing syndrome. Last evaluated: 2024-12-06. Review status: criteria provided, single submitter. Criteria: Ambry Variant Classification Scheme 2023. Collection method: clinical testing. Allele origin: germline.
Comment: The p.R292P variant (also known as c.875G>C), located in coding exon 8 of the FANCC gene, results from a G to C substitution at nucleotide position 875. The arginine at codon 292 is replaced by proline, an amino acid with dissimilar properties. This amino acid position is conserved. In addition, the in silico prediction for this alteration is inconclusive. Based on the available evidence, the clinical significance of this variant remains unclear.

Labcorp Genetics (formerly Invitae), Labcorp
Classification: Uncertain significance for Fanconi anemia. Last evaluated: 2024-04-10. Review status: criteria provided, single submitter. Criteria: Invitae Variant Classification Sherloc (09022015). Collection method: clinical testing. Allele origin: germline.
Comment: This sequence change replaces arginine, which is basic and polar, with proline, which is neutral and non-polar, at codon 292 of the FANCC protein (p.Arg292Pro). This variant is not present in population databases (gnomAD no frequency). This variant has not been reported in the literature in individuals affected with FANCC-related conditions. ClinVar contains an entry for this variant (Variation ID: 1510720). Advanced modeling of protein sequence and biophysical properties (such as structural, functional, and spatial information, amino acid conservation, physicochemical variation, residue mobility, and thermodynamic stability) performed at Invitae indicates that this missense variant is expected to disrupt FANCC protein function with a positive predictive value of 80%. In summary, the available evidence is currently insufficient to determine the role of this variant in disease. Therefore, it has been classified as a Variant of Uncertain Significance.